The following is an entry in ClinVar:

NC_000005.10:g.112707460C>T

Gene: APC (APC regulator of Wnt signaling pathway; plus strand). Cytogenetic location: 5q22.2.
Variant type: single nucleotide variant.
Genome position: GRCh38 VCF-style: chr5-112707460-C-T. GRCh37 (hg19) VCF-style: chr5-112043157-C-T.
Identifiers: ClinVar variation 1431546 (VCV001431546.6), dbSNP rs1554060161, ClinGen allele CA1573442326.

ClinVar aggregate classification (germline): Uncertain significance (1 of 4 stars; one submission).

Conditions:
Familial adenomatous polyposis 1 (FAP1). Also called: POLYPOSIS, ADENOMATOUS INTESTINAL; FAMILIAL ADENOMATOUS POLYPOSIS 1, ATTENUATED. Identifiers: MedGen C2713442, MONDO:0021056, OMIM 175100. Disease mechanism: loss of function.

Submission:

Labcorp Genetics (formerly Invitae), Labcorp
Classification: Uncertain significance for Familial adenomatous polyposis 1. Last evaluated: 2025-05-01. Review status: criteria provided, single submitter. Criteria: Invitae Variant Classification Sherloc (09022015). Collection method: clinical testing. Allele origin: germline.
Comment: This variant occurs in a non-coding region of the APC gene. It does not change the encoded amino acid sequence of the APC protein. This variant is not present in population databases (gnomAD no frequency). This variant has not been reported in the literature in individuals affected with APC-related conditions. Experimental studies and prediction algorithms are not available or were not evaluated, and the functional significance of this variant is currently unknown. In summary, the available evidence is currently insufficient to determine the role of this variant in disease. Therefore, it has been classified as a Variant of Uncertain Significance.